The following is an entry in ClinVar:

NM_002709.3(PPP1CB):c.737C>G (p.Ala246Gly)

Gene: PPP1CB (protein phosphatase 1 catalytic subunit beta; plus strand). Cytogenetic location: 2p23.2.
Variant type: single nucleotide variant.
Coding change: c.737C>G on transcript NM_002709.3 (MANE Select); coding-DNA position 737, C replaced by G.
Protein change: p.Ala246Gly; replaces alanine 246 with glycine.
Molecular consequence: missense variant.
Genome position (GRCh38, 1-based): chr2:28,788,802, C>G. VCF-style: chr2-28788802-C-G. GRCh37 (hg19) VCF-style: chr2-29011668-C-G.
Other names: c.737C>G, p.Ala246Gly (NM_206876.2); short protein forms A246G.
Identifiers: ClinVar variation 3767401 (VCV003767401.2).
Genomic context (GRCh38, chr2:28,788,802, plus strand): 5'-TTGGAGCTGATGTAGTCAGTAAATTTCTGAATCGTCATGATTTAGATTTGATTTGTCGAG[C>G]TCATCAGGTATGAAATATAAAACTCTTAAGCTTTTTCTTTTTTCTTTCTTTTTTTTGGGG-3'
Protein context (NP_002700.1, residues 236-256): NRHDLDLICR[Ala246Gly]HQVVEDGYEF

ClinVar aggregate classification (germline): Uncertain significance (1 of 4 stars; one submission).

Submission:

GeneDx
Classification: Uncertain significance. Last evaluated: 2026-01-15. Review status: criteria provided, single submitter. Criteria: GeneDx Variant Classification Process June 2021. Collection method: clinical testing. Allele origin: germline.
Comment: Not observed at significant frequency in large population cohorts (gnomAD); In silico analysis supports that this missense variant has a deleterious effect on protein structure/function; Has not been previously published as pathogenic or benign to our knowledge